The following is an entry in ClinVar:

NM_032656.4(DHX37):c.2288G>A (p.Arg763Gln)

Gene: DHX37 (DEAH-box helicase 37; minus strand). Cytogenetic location: 12q24.31.
Variant type: single nucleotide variant.
Coding change: c.2288G>A on transcript NM_032656.4 (MANE Select); coding-DNA position 2288, G replaced by A.
Protein change: p.Arg763Gln; replaces arginine 763 with glutamine.
Molecular consequence: missense variant.
Genome position (GRCh38, 1-based): chr12:124,956,856, C>T on the plus strand (G>A on the coding strand, the complement: DHX37 is on the minus strand). VCF-style: chr12-124956856-C-T. GRCh37 (hg19) VCF-style: chr12-125441402-C-T.
Other names: short protein forms R763Q.
Identifiers: ClinVar variation 2054636 (VCV002054636.33), dbSNP rs746200469, ClinGen allele CA6871680.

ClinVar aggregate classification (germline): Uncertain significance. Review status: criteria provided, multiple submitters, no conflicts (2 of 4 stars). 5 submissions from 5 submitters: Uncertain significance (5). Last evaluated 2026-10-22.

Conditions:
Inborn genetic diseases. Identifiers: MedGen C0950123, MeSH D030342.

Allele frequency attached by ClinVar (database versions not stated): gnomAD 0.00005; gnomAD exomes 0.00007; ExAC 0.00008; TOPMed 0.00008.
gnomAD v4.1: 108 of 1,598,564 alleles (0.0068%); highest among the groups gnomAD compares: Middle Eastern, 0.1%; no homozygotes.

Submissions (5):

GeneDx
Classification: Uncertain significance. Last evaluated: 2026-10-22. Review status: criteria provided, single submitter. Criteria: GeneDx Variant Classification Process June 2021. Collection method: clinical testing. Allele origin: germline.
Comment: In silico analysis supports that this missense variant does not alter protein structure/function; Has not been previously published as pathogenic or benign to our knowledge

OLLIN Analises Genomicas, OLLIN
Classification: Uncertain significance. Last evaluated: 2026-08-06. Review status: criteria provided, single submitter. Criteria: ACMG Guidelines 2015 PMID 25741868. Collection method: clinical testing. Allele origin: germline.
Comment: This missense variant, located in exon 18 (of 27), has been reported in ClinVar (accession VCV002054636.30) and in gnomAD with an allele frequency of 0.0068%. However, to our knowledge, it has not been reported in the scientific literature. In silico analysis predicts that this variant has a tolerated effect. According to the currently available evidence, this variant has been classified as uncertain significance (BP4_M).

Labcorp Genetics (formerly Invitae), Labcorp
Classification: Uncertain significance. Last evaluated: 2025-11-23. Review status: criteria provided, single submitter. Criteria: Invitae Variant Classification Sherloc (09022015). Collection method: clinical testing. Allele origin: germline.
Comment: This sequence change replaces arginine, which is basic and polar, with glutamine, which is neutral and polar, at codon 763 of the DHX37 protein (p.Arg763Gln). This variant is present in population databases (rs746200469, gnomAD 0.02%). This variant has not been reported in the literature in individuals affected with DHX37-related conditions. ClinVar contains an entry for this variant (Variation ID: 2054636). An algorithm developed to predict the effect of missense changes on protein structure and function outputs the following: PolyPhen-2: "Benign". The glutamine amino acid residue is found in multiple mammalian species, which suggests that this missense change does not adversely affect protein function. In summary, the available evidence is currently insufficient to determine the role of this variant in disease. Therefore, it has been classified as a Variant of Uncertain Significance.

Ambry Genetics
Classification: Uncertain significance for Inborn genetic diseases. Last evaluated: 2025-02-21. Review status: criteria provided, single submitter. Criteria: Ambry Variant Classification Scheme 2023. Collection method: clinical testing. Allele origin: germline.

CeGaT Center for Human Genetics Tuebingen
Classification: Uncertain significance. Last evaluated: 2023-05-01. Review status: criteria provided, single submitter. Criteria: CeGaT Center For Human Genetics Tuebingen Variant Classification Criteria Version 2. Collection method: clinical testing. Allele origin: germline. Affected: yes. Observed: 1 variant allele.
Comment: DHX37: PM2, BP4